The following is an entry in ClinVar:

ClinVar aggregate classification (germline): Uncertain significance. Review status: criteria provided, multiple submitters, no conflicts (2 of 4 stars). 2 submissions from 2 submitters: Uncertain significance (2). Last evaluated 2025-04-17.

Conditions:
EGFR-related lung cancer (EGFR). Identifiers: MedGen CN130014.
Hereditary cancer-predisposing syndrome. Also called: Hereditary Cancer Syndrome; Hereditary neoplastic syndrome; Neoplastic Syndromes, Hereditary; Tumor predisposition. Identifiers: Orphanet 140162, MedGen C0027672, MeSH D009386, MONDO:0015356.

gnomAD v4.1: 1 of 1,614,060 alleles (0.000062%); highest among the groups gnomAD compares: Non-Finnish European, 0.000085%; no homozygotes.

Submissions (2):

Ambry Genetics
Classification: Uncertain significance for Hereditary cancer-predisposing syndrome. Last evaluated: 2025-04-17. Review status: criteria provided, single submitter. Criteria: Ambry Variant Classification Scheme 2023. Collection method: clinical testing. Allele origin: germline.
Comment: The p.R165L variant (also known as c.494G>T), located in coding exon 4 of the EGFR gene, results from a G to T substitution at nucleotide position 494. The arginine at codon 165 is replaced by leucine, an amino acid with dissimilar properties. This amino acid position is not well conserved in available vertebrate species. In addition, this alteration is predicted to be tolerated by in silico analysis. Based on the available evidence, the clinical significance of this variant remains unclear.

Labcorp Genetics (formerly Invitae), Labcorp
Classification: Uncertain significance for EGFR-related lung cancer. Last evaluated: 2021-06-22. Review status: criteria provided, single submitter. Criteria: Invitae Variant Classification Sherloc (09022015). Collection method: clinical testing. Allele origin: germline.
Comment: In summary, the available evidence is currently insufficient to determine the role of this variant in disease. Therefore, it has been classified as a Variant of Uncertain Significance. Algorithms developed to predict the effect of missense changes on protein structure and function (SIFT, PolyPhen-2, Align-GVGD) all suggest that this variant is likely to be tolerated, but these predictions have not been confirmed by published functional studies and their clinical significance is uncertain. This variant has not been reported in the literature in individuals with EGFR-related conditions. This variant is not present in population databases (ExAC no frequency). This sequence change replaces arginine with leucine at codon 165 of the EGFR protein (p.Arg165Leu). The arginine residue is weakly conserved and there is a moderate physicochemical difference between arginine and leucine.

NM_005228.5(EGFR):c.494G>T (p.Arg165Leu)

Gene: EGFR (epidermal growth factor receptor; plus strand). Cytogenetic location: 7p11.2.
Variant type: single nucleotide variant.
Coding change: c.494G>T on transcript NM_005228.5 (MANE Select); coding-DNA position 494, G replaced by T.
Protein change: p.Arg165Leu; replaces arginine 165 with leucine.
Molecular consequence: missense variant. On other transcripts: intron variant (3).
Genome position (GRCh38, 1-based): chr7:55,146,675, G>T. VCF-style: chr7-55146675-G-T. GRCh37 (hg19) VCF-style: chr7-55214368-G-T.
Other names: c.494G>T (NM_005228.3); c.494G>T, p.Arg165Leu (NM_001346898.2, NM_201282.2, NM_201283.2 and 1 more transcripts); c.335G>T, p.Arg112Leu (NM_001346900.2); c.424+3187G>T (NM_001346899.2, NM_001346897.2); c.89-9155G>T (NM_001346941.2); short protein forms R165L, R112L.
Identifiers: ClinVar variation 1447164 (VCV001447164.9), dbSNP rs761795138, ClinGen allele CA367576613.